The following is an entry in ClinVar:

NM_000548.5(TSC2):c.4942A>C (p.Ile1648Leu)

Gene: TSC2 (TSC complex subunit 2; plus strand). Cytogenetic location: 16p13.3.
Variant type: single nucleotide variant.
Coding change: c.4942A>C on transcript NM_000548.5 (MANE Select); coding-DNA position 4942, A replaced by C.
Protein change: p.Ile1648Leu; replaces isoleucine 1648 with leucine.
Molecular consequence: missense variant.
Genome position (GRCh38, 1-based): chr16:2,086,824, A>C. VCF-style: chr16-2086824-A-C. GRCh37 (hg19) VCF-style: chr16-2136825-A-C.
Other names: c.4741A>C, p.Ile1581Leu (NM_001077183.3); c.4873A>C, p.Ile1625Leu (NM_001114382.3); c.4633A>C, p.Ile1545Leu (NM_001318827.2); c.4597A>C, p.Ile1533Leu (NM_001318829.2); c.4210A>C, p.Ile1404Leu (NM_001318831.2); c.4774A>C, p.Ile1592Leu (NM_001318832.2); c.4744A>C, p.Ile1582Leu (NM_001363528.2); c.4810A>C, p.Ile1604Leu (NM_001370404.1); and 1 more; short protein forms I1404L, I1545L, I1592L, I1648L, I1605L, I1533L, I1581L, I1582L.
Identifiers: ClinVar variation 958560 (VCV000958560.10), dbSNP rs749554579, ClinGen allele CA394308756.

ClinVar aggregate classification (germline): Uncertain significance. Review status: criteria provided, multiple submitters, no conflicts (2 of 4 stars). 2 submissions from 2 submitters: Uncertain significance (2). Last evaluated 2025-04-07.

Conditions:
Isolated focal cortical dysplasia type II (FCORD2). Also called: Focal cortical dysplasia type II; CORTICAL DYSPLASIA OF TAYLOR. Identifiers: Orphanet 268994, MedGen C1846385, MONDO:0011818, OMIM 607341, HP:0032051.
Tuberous sclerosis 2 (TSC2). Identifiers: Orphanet 805, MedGen C1860707, MONDO:0013199, OMIM 613254.

Submissions (2):

Labcorp Genetics (formerly Invitae), Labcorp
Classification: Uncertain significance for Tuberous sclerosis 2. Last evaluated: 2025-04-07. Review status: criteria provided, single submitter. Criteria: Invitae Variant Classification Sherloc (09022015). Collection method: clinical testing. Allele origin: germline.
Comment: This sequence change replaces isoleucine, which is neutral and non-polar, with leucine, which is neutral and non-polar, at codon 1648 of the TSC2 protein (p.Ile1648Leu). This variant is not present in population databases (gnomAD no frequency). This variant has not been reported in the literature in individuals affected with TSC2-related conditions. ClinVar contains an entry for this variant (Variation ID: 958560). Invitae Evidence Modeling of protein sequence and biophysical properties (such as structural, functional, and spatial information, amino acid conservation, physicochemical variation, residue mobility, and thermodynamic stability) indicates that this missense variant is not expected to disrupt TSC2 protein function with a negative predictive value of 95%. In summary, the available evidence is currently insufficient to determine the role of this variant in disease. Therefore, it has been classified as a Variant of Uncertain Significance.

Baylor Genetics
Classification: Uncertain significance for Isolated focal cortical dysplasia type II. Last evaluated: 2023-09-05. Review status: criteria provided, single submitter. Criteria: ACMG Guidelines, 2015. Collection method: clinical testing. Allele origin: unknown.